The following is an entry in ClinVar:

NM_003872.3(NRP2):c.1673_1674delinsTG (p.Pro558Leu)

Gene: NRP2 (neuropilin 2; plus strand). Cytogenetic location: 2q33.3.
Variant type: Indel.
Coding change: c.1673_1674delinsTG on transcript NM_003872.3 (MANE Select); coding-DNA positions 1673 to 1674, CT replaced by TG.
Protein change: p.Pro558Leu; replaces proline 558 with leucine.
Molecular consequence: missense variant.
Genome position (GRCh38, 1-based): chr2:205,745,777-205,745,778, CT replaced by TG. VCF-style: chr2-205745777-CT-TG. GRCh37 (hg19) VCF-style: chr2-206610501-CT-TG.
Other names: c.1673_1674delinsTG, p.Pro558Leu (NM_018534.4, NM_201266.2, NM_201267.2 and 1 more transcripts); short protein forms P558L.
Identifiers: ClinVar variation 3350183 (VCV003350183.2).
Genomic context (GRCh38, chr2:205,745,777, plus strand): 5'-GAAGGGCTGAGTGGCCTCTCTCCCTGCAGCTGTTCGAAGGGAACATGCACTATGACACCC[CT>TG]GACATCCGAAGGTTTGACCCCATTCCGGCACAGTATGTGCGGGTATACCCGGAGAGGTGG-3'
Protein context (NP_003863.2, residues 548-568): LFEGNMHYDT[Pro558Leu]DIRRFDPIPA

ClinVar aggregate classification (germline): Uncertain significance (1 of 4 stars; one submission).

Conditions:
NRP2-related disorder. Also called: NRP2-related condition.

Submission:

PreventionGenetics, part of Exact Sciences
Classification: Uncertain significance for NRP2-related condition. Last evaluated: 2025-06-20. Review status: criteria provided, single submitter. Criteria: ACMG Guidelines, 2015. Collection method: clinical testing. Allele origin: germline.
Comment: The NRP2 c.1673_1674delinsTG variant is predicted to result in an in-frame deletion and insertion. To our knowledge, this variant has not been reported in the literature in association with disease. This variant has been reported on 1 of ~251,000 alleles in the gnomAD public population database. At this time, the clinical significance of this variant is uncertain due to the absence of conclusive functional and genetic evidence.